The following is an entry in ClinVar:

ClinVar aggregate classification (germline): Pathogenic (1 of 4 stars; one submission).

Submission:

Labcorp Genetics (formerly Invitae), Labcorp
Classification: Pathogenic. Last evaluated: 2023-01-24. Review status: criteria provided, single submitter. Criteria: Invitae Variant Classification Sherloc (09022015). Collection method: clinical testing. Allele origin: germline.
Comment: For these reasons, this variant has been classified as Pathogenic. This variant has not been reported in the literature in individuals affected with SLC19A2-related conditions. A gross deletion of the genomic region encompassing the full coding sequence of the SLC19A2 gene has been identified. Loss-of-function variants in SLC19A2 are known to be pathogenic (PMID: 10391221, 10391223, 10874303). The boundaries of this event are unknown as they extend beyond the assayed region for this gene and therefore may encompass additional genes.

Literature cited by the submitters: PubMed 10391221; PubMed 10391223; PubMed 10874303.

NC_000001.10:g.(?_169435087)_(169455004_?)del

Gene: SLC19A2 (solute carrier family 19 member 2; minus strand). Cytogenetic location: 1q24.2.
Variant type: Deletion.
Identifiers: ClinVar variation 2425678 (VCV002425678.4).